The following is an entry in ClinVar:

NM_017636.4(TRPM4):c.928T>A (p.Cys310Ser)

Gene: TRPM4 (transient receptor potential cation channel subfamily M member 4; plus strand). Cytogenetic location: 19q13.33.
Variant type: single nucleotide variant.
Coding change: c.928T>A on transcript NM_017636.4 (MANE Select); coding-DNA position 928, T replaced by A.
Protein change: p.Cys310Ser; replaces cysteine 310 with serine.
Molecular consequence: missense variant. On other transcripts: 5 prime UTR variant (1).
Genome position (GRCh38, 1-based): chr19:49,171,647, T>A. VCF-style: chr19-49171647-T-A. GRCh37 (hg19) VCF-style: chr19-49674904-T-A.
Other names: c.928T>A, p.Cys310Ser (NM_001195227.2); c.583T>A, p.Cys195Ser (NM_001321281.2); c.-626T>A (NM_001321282.2); c.406T>A, p.Cys136Ser (NM_001321283.2); c.79T>A, p.Cys27Ser (NM_001321285.2); short protein forms C195S, C27S, C310S, C136S.
Identifiers: ClinVar variation 2884236 (VCV002884236.3), dbSNP rs1373897831, ClinGen allele CA406794024.
Genomic context (GRCh38, chr19:49,171,647, plus strand): 5'-AACGCCACCCAGGCTCAGCTCCCATGTCTCCTCGTGGCTGGCTCAGGGGGAGCTGCGGAC[T>A]GCCTGGCGGAGACCCTGGAAGACACTCTGGCCCCAGGGAGTGGGGGAGCCAGGCAAGGCG-3'
Protein context (NP_060106.2, residues 300-320): LVAGSGGAAD[Cys310Ser]LAETLEDTLA

ClinVar aggregate classification (germline): Uncertain significance (1 of 4 stars; one submission).

Conditions:
Progressive familial heart block type IB (PFHB1B). Identifiers: Orphanet 871, MedGen C1970298, MONDO:0011474, OMIM 604559.

Allele frequency attached by ClinVar (database versions not stated): gnomAD 0.00001; TOPMed 0.00001.
gnomAD v4.1: 1 of 1,613,782 alleles (0.000062%); highest among the groups gnomAD compares: Non-Finnish European, 0.000085%; no homozygotes.

Submission:

Labcorp Genetics (formerly Invitae), Labcorp
Classification: Uncertain significance for Progressive familial heart block type IB. Last evaluated: 2024-10-21. Review status: criteria provided, single submitter. Criteria: Invitae Variant Classification Sherloc (09022015). Collection method: clinical testing. Allele origin: germline.
Comment: This sequence change replaces cysteine, which is neutral and slightly polar, with serine, which is neutral and polar, at codon 310 of the TRPM4 protein (p.Cys310Ser). This variant is not present in population databases (gnomAD no frequency). This variant has not been reported in the literature in individuals affected with TRPM4-related conditions. An algorithm developed to predict the effect of missense changes on protein structure and function (PolyPhen-2) suggests that this variant is likely to be tolerated. In summary, the available evidence is currently insufficient to determine the role of this variant in disease. Therefore, it has been classified as a Variant of Uncertain Significance.